The following is an entry in ClinVar:

NM_020987.5(ANK3):c.10152G>C (p.Gln3384His)

Gene: ANK3 (ankyrin 3; minus strand). Cytogenetic location: 10q21.2.
Variant type: single nucleotide variant.
Coding change: c.10152G>C on transcript NM_020987.5 (MANE Select); coding-DNA position 10152, G replaced by C.
Protein change: p.Gln3384His; replaces glutamine 3384 with histidine.
Molecular consequence: missense variant. On other transcripts: intron variant (4).
Genome position (GRCh38, 1-based): chr10:60,070,729, C>G on the plus strand (G>C on the coding strand, the complement: ANK3 is on the minus strand). VCF-style: chr10-60070729-C-G. GRCh37 (hg19) VCF-style: chr10-61830487-C-G.
Other names: c.4388-2720G>C (NM_001204403.2); c.4409-2720G>C (NM_001204404.2); c.4406-2720G>C (NM_001320874.2); c.1808-2720G>C (NM_001149.4); short protein forms Q3384H.
Identifiers: ClinVar variation 1929419 (VCV001929419.5), dbSNP rs778769380, ClinGen allele CA5511278.

ClinVar aggregate classification (germline): Uncertain significance (1 of 4 stars; one submission).

Allele frequency attached by ClinVar (database versions not stated): gnomAD 0.00001; gnomAD exomes 0.00001; TOPMed 0.00001; ExAC 0.00007.
gnomAD v4.1: 14 of 1,614,076 alleles (0.00087%); highest among the groups gnomAD compares: East Asian, 0.029%; no homozygotes.

Submission:

Labcorp Genetics (formerly Invitae), Labcorp
Classification: Uncertain significance. Last evaluated: 2022-08-16. Review status: criteria provided, single submitter. Criteria: Invitae Variant Classification Sherloc (09022015). Collection method: clinical testing. Allele origin: germline.
Comment: In summary, the available evidence is currently insufficient to determine the role of this variant in disease. Therefore, it has been classified as a Variant of Uncertain Significance. Algorithms developed to predict the effect of missense changes on protein structure and function are either unavailable or do not agree on the potential impact of this missense change (SIFT: "Not Available"; PolyPhen-2: "Probably Damaging"; Align-GVGD: "Not Available"). This variant has not been reported in the literature in individuals affected with ANK3-related conditions. This variant is present in population databases (rs778769380, gnomAD 0.07%). This sequence change replaces glutamine, which is neutral and polar, with histidine, which is basic and polar, at codon 3384 of the ANK3 protein (p.Gln3384His).